The following is an entry in ClinVar:

NM_018646.6(TRPV6):c.1739T>A (p.Ile580Asn)

Gene: TRPV6 (transient receptor potential cation channel subfamily V member 6; minus strand). Cytogenetic location: 7q34.
Variant type: single nucleotide variant.
Coding change: c.1739T>A on transcript NM_018646.6 (MANE Select); coding-DNA position 1739, T replaced by A.
Protein change: p.Ile580Asn; replaces isoleucine 580 with asparagine.
Molecular consequence: missense variant.
Genome position (GRCh38, 1-based): chr7:142,873,617, A>T on the plus strand (T>A on the coding strand, the complement: TRPV6 is on the minus strand). VCF-style: chr7-142873617-A-T. GRCh37 (hg19) VCF-style: chr7-142571370-A-T.
Other names: short protein forms I580N.
Identifiers: ClinVar variation 4712392 (VCV004712392.1).

ClinVar aggregate classification (germline): Uncertain significance (1 of 4 stars; one submission).

gnomAD v4.1: 1 of 1,614,174 alleles (0.000062%); highest among the groups gnomAD compares: East Asian, 0.0022%; no homozygotes.

Submission:

Labcorp Genetics (formerly Invitae), Labcorp
Classification: Uncertain significance. Last evaluated: 2025-02-06. Review status: criteria provided, single submitter. Criteria: Invitae Variant Classification Sherloc (09022015). Collection method: clinical testing. Allele origin: germline.
Comment: This sequence change replaces isoleucine, which is neutral and non-polar, with asparagine, which is neutral and polar, at codon 580 of the TRPV6 protein (p.Ile580Asn). This variant is not present in population databases (gnomAD no frequency). This variant has not been reported in the literature in individuals affected with TRPV6-related conditions. Experimental studies and prediction algorithms are not available or were not evaluated, and the functional significance of this variant is currently unknown. In summary, the available evidence is currently insufficient to determine the role of this variant in disease. Therefore, it has been classified as a Variant of Uncertain Significance.